The following is an entry in ClinVar:

NM_002016.2(FLG):c.6276C>A (p.Tyr2092Ter)

Genes: CCDST (cervical cancer associated DHX9 suppressive transcript; plus strand), FLG (filaggrin; minus strand). Cytogenetic location: 1q21.3.
Variant type: single nucleotide variant.
Coding change: c.6276C>A on transcript NM_002016.2 (MANE Select); coding-DNA position 6276, C replaced by A.
Protein change: p.Tyr2092Ter; replaces tyrosine 2092 with a stop codon.
Molecular consequence: nonsense.
Genome position (GRCh38, 1-based): chr1:152,308,610, G>T on the plus strand (C>A on the coding strand, the complement: FLG is on the minus strand). VCF-style: chr1-152308610-G-T. GRCh37 (hg19) VCF-style: chr1-152281086-G-T.
Other names: short protein forms Y2092*.
Identifiers: ClinVar variation 620498 (VCV000620498.3), dbSNP rs1425411066, ClinGen allele CA342054676.

ClinVar aggregate classification (germline): Pathogenic (1 of 4 stars; one submission).

Allele frequency attached by ClinVar (database versions not stated): gnomAD 0.00001; TOPMed 0.00002.
gnomAD v4.1: 35 of 1,613,982 alleles (0.0022%); highest among the groups gnomAD compares: Non-Finnish European, 0.0029%; no homozygotes.

Submission:

GeneDx
Classification: Pathogenic. Last evaluated: 2025-05-14. Review status: criteria provided, single submitter. Criteria: GeneDx Variant Classification Process June 2021. Collection method: clinical testing. Allele origin: germline. Affected: yes.
Comment: Reported previously in the heterozygous state with a second FLG variant in association with atopic dermatitis (PMID: 24880632); Nonsense variant predicted to result in protein truncation, as the last 1970 amino acid(s) are lost, and other loss-of-function variants have been reported downstream in HGMD; Not observed at significant frequency in large population cohorts (gnomAD); This variant is associated with the following publications: (PMID: 22322004, 30132823, 20621340, 17502856, 28373353, 26071937, 37200867, 32954014, 33269467, 24880632)